The following is an entry in ClinVar:

ClinVar aggregate classification (germline): Conflicting classifications of pathogenicity. Review status: criteria provided, conflicting classifications (1 of 4 stars). 2 submissions from 2 submitters: Pathogenic (1); Uncertain significance (1). Last evaluated 2023-06-06.

Conditions:
Familial thoracic aortic aneurysm and aortic dissection (TAAD). Also called: Thoracic aortic aneurysms and dissections. Identifiers: Orphanet 91387, MedGen C4707243, MONDO:0019625.

Submissions (2):

Labcorp Genetics (formerly Invitae), Labcorp
Classification: Pathogenic for Familial thoracic aortic aneurysm and aortic dissection. Last evaluated: 2023-06-06. Review status: criteria provided, single submitter. Criteria: Invitae Variant Classification Sherloc (09022015). Collection method: clinical testing. Allele origin: germline.
Comment: For these reasons, this variant has been classified as Pathogenic. Advanced modeling of protein sequence and biophysical properties (such as structural, functional, and spatial information, amino acid conservation, physicochemical variation, residue mobility, and thermodynamic stability) performed at Invitae indicates that this missense variant is expected to disrupt TGFBR2 protein function. ClinVar contains an entry for this variant (Variation ID: 1313668). This missense change has been observed in individual(s) with TGFBR2-related conditions (Invitae). In at least one individual the variant was observed to be de novo. This variant is not present in population databases (gnomAD no frequency). This sequence change replaces leucine, which is neutral and non-polar, with serine, which is neutral and polar, at codon 436 of the TGFBR2 protein (p.Leu436Ser).

GeneDx
Classification: Uncertain significance. Last evaluated: 2020-11-12. Review status: criteria provided, single submitter. Criteria: GeneDx Variant Classification Process June 2021. Collection method: clinical testing. Allele origin: germline. Affected: yes.
Comment: Has not been previously published as pathogenic or benign to our knowledge; Not observed in large population cohorts (Lek et al., 2016); In silico analysis supports that this missense variant has a deleterious effect on protein structure/function

NM_003242.6(TGFBR2):c.1307T>C (p.Leu436Ser)

Gene: TGFBR2 (transforming growth factor beta receptor 2; plus strand). Cytogenetic location: 3p24.1.
Variant type: single nucleotide variant.
Coding change: c.1307T>C on transcript NM_003242.6 (MANE Select); coding-DNA position 1307, T replaced by C.
Protein change: p.Leu436Ser; replaces leucine 436 with serine.
Molecular consequence: missense variant.
Genome position (GRCh38, 1-based): chr3:30,674,157, T>C. VCF-style: chr3-30674157-T-C. GRCh37 (hg19) VCF-style: chr3-30715649-T-C.
Other names: c.1382T>C, p.Leu461Ser (NM_001024847.3); c.1490T>C, p.Leu497Ser (NM_001407126.1); c.1415T>C, p.Leu472Ser (NM_001407127.1); c.1334T>C, p.Leu445Ser (NM_001407128.1); c.1310T>C, p.Leu437Ser (NM_001407129.1); c.1307T>C, p.Leu436Ser (NM_001407130.1); c.1202T>C, p.Leu401Ser (NM_001407132.1, NM_001407133.1, NM_001407134.1 and 2 more transcripts); c.1022T>C, p.Leu341Ser (NM_001407137.1); and 1 more; short protein forms L436S, L461S, L401S, L437S, L497S, L341S, L472S, L316S.
Identifiers: ClinVar variation 1313668 (VCV001313668.6), dbSNP rs2125438986, ClinGen allele CA351808979.